The following is an entry in ClinVar:

ClinVar aggregate classification (germline): Uncertain significance. Review status: reviewed by expert panel (3 of 4 stars). 4 submissions from 4 submitters: Uncertain significance (1). 3 of the submissions do not count toward it. Last evaluated 2024-08-01.

Conditions:
Hereditary thrombocytopenia and hematologic cancer predisposition syndrome. Identifiers: Orphanet 71290, MedGen CN281654, MONDO:0011071.
Inborn genetic diseases. Identifiers: MedGen C0950123, MeSH D030342.
Hereditary thrombocytopenia and hematological cancer predisposition syndrome associated with RUNX1. Also called: Familial Platelet Disorder with Propensity to Acute Myelogenous Leukemia; Familial thrombocytopenia with propensity to acute myelogenous leukemia; RUNX1 Familial Platelet Disorder with Associated Myeloid Malignancies; PLATELET DISORDER, ASPIRIN-LIKE. Identifiers: Orphanet 71290, MedGen C1832388, MeSH C563324, MONDO:0100083, OMIM 601399.

Allele frequency attached by ClinVar (database versions not stated): gnomAD exomes below 0.00001; TOPMed 0.00001; gnomAD 0.00002.
gnomAD v4.1: 7 of 1,609,822 alleles (0.00043%); highest among the groups gnomAD compares: African/African-American, 0.0013%; no homozygotes.

Submissions (4):

ClinGen Myeloid Malignancy Variant Curation Expert Panel
Classification: Uncertain significance for Hereditary thrombocytopenia and hematologic cancer predisposition syndrome. Last evaluated: 2024-08-01. Review status: reviewed by expert panel. Criteria: ClinGen MyeloMalig ACMG Specifications v2. Collection method: curation. Allele origin: germline. Inheritance: Autosomal dominant inheritance.
Comment: NM_001754.5(RUNX1):c.220G>C (p.Gly74Arg) is a missense variant which has been reported in one patient with myeloid malignancy (PMID: 31911633) (PS4_supporting). The computational predictor REVEL gives a score of 0.423, which is below the threshold of 0.50, and the splice site predictor SpliceAI indicated that the variant has no impact on splicing, evidence that does not predict a damaging effect on RUNX1 function (BP4). In summary, this variant meets the criteria to be classified as a VUS for autosomal dominant hereditary thrombocytopenia and hematologic cancer predisposition syndrome based on the ACMG/AMP criteria applied, as specified by the ClinGen Myeloid Malignancy VCEP: BP4, PS4_supporting.

Ambry Genetics
Classification: Uncertain significance for Inborn genetic diseases. Last evaluated: 2025-08-18. Review status: criteria provided, single submitter. Criteria: Ambry Variant Classification Scheme 2023. Collection method: clinical testing. Allele origin: germline. Not counted in ClinVar's aggregate classification.
Comment: The p.G74R variant (also known as c.220G>C), located in coding exon 3 of the RUNX1 gene, results from a G to C substitution at nucleotide position 220. The glycine at codon 74 is replaced by arginine, an amino acid with dissimilar properties. This amino acid position is not well conserved in available vertebrate species. In addition, the in silico prediction for this alteration is inconclusive. Based on the available evidence, the clinical significance of this variant remains unclear.

Labcorp Genetics (formerly Invitae), Labcorp
Classification: Uncertain significance for Hereditary thrombocytopenia and hematological cancer predisposition syndrome associated with RUNX1. Last evaluated: 2025-02-23. Review status: criteria provided, single submitter. Criteria: Invitae Variant Classification Sherloc (09022015). Collection method: clinical testing. Allele origin: germline. Not counted in ClinVar's aggregate classification.
Comment: This sequence change replaces glycine, which is neutral and non-polar, with arginine, which is basic and polar, at codon 74 of the RUNX1 protein (p.Gly74Arg). This variant is present in population databases (no rsID available, gnomAD 0.007%). This variant has not been reported in the literature in individuals affected with RUNX1-related conditions. ClinVar contains an entry for this variant (Variation ID: 649413). Invitae Evidence Modeling of protein sequence and biophysical properties (such as structural, functional, and spatial information, amino acid conservation, physicochemical variation, residue mobility, and thermodynamic stability) has been performed for this missense variant. However, the output from this modeling did not meet the statistical confidence thresholds required to predict the impact of this variant on RUNX1 protein function. In summary, the available evidence is currently insufficient to determine the role of this variant in disease. Therefore, it has been classified as a Variant of Uncertain Significance.

GeneDx
Classification: Uncertain significance. Last evaluated: 2025-01-28. Review status: criteria provided, single submitter. Criteria: GeneDx Variant Classification Process June 2021. Collection method: clinical testing. Allele origin: germline. Affected: yes. Not counted in ClinVar's aggregate classification.
Comment: Not observed at significant frequency in large population cohorts (gnomAD); In silico analysis indicates that this missense variant does not alter protein structure/function; Has not been previously published as pathogenic or benign to our knowledge

NM_001754.5(RUNX1):c.220G>C (p.Gly74Arg)

Gene: RUNX1 (RUNX family transcription factor 1; minus strand). Cytogenetic location: 21q22.12.
Variant type: single nucleotide variant.
Coding change: c.220G>C on transcript NM_001754.5 (MANE Select); coding-DNA position 220, G replaced by C.
Protein change: p.Gly74Arg; replaces glycine 74 with arginine.
Molecular consequence: missense variant.
Genome position (GRCh38, 1-based): chr21:34,886,974, C>G on the plus strand (G>C on the coding strand, the complement: RUNX1 is on the minus strand). VCF-style: chr21-34886974-C-G. GRCh37 (hg19) VCF-style: chr21-36259271-C-G.
Other names: NM_001754.5(RUNX1):c.220G>C; p.Gly74Arg; c.139G>C, p.Gly47Arg (NM_001001890.3, NM_001122607.2); short protein forms G47R, G74R.
Identifiers: ClinVar variation 649413 (VCV000649413.11), dbSNP rs1435268371, ClinGen allele CA410203869.